The following is an entry in ClinVar:

NM_006158.5(NEFL):c.932T>C (p.Leu311Pro)

Gene: NEFL (neurofilament light chain; minus strand). Cytogenetic location: 8p21.2.
Variant type: single nucleotide variant.
Coding change: c.932T>C on transcript NM_006158.5 (MANE Select); coding-DNA position 932, T replaced by C.
Protein change: p.Leu311Pro; replaces leucine 311 with proline.
Molecular consequence: missense variant.
Genome position (GRCh38, 1-based): chr8:24,955,584, A>G on the plus strand (T>C on the coding strand, the complement: NEFL is on the minus strand). VCF-style: chr8-24955584-A-G. GRCh37 (hg19) VCF-style: chr8-24813098-A-G.
Other names: short protein forms L311P.
Identifiers: ClinVar variation 2735144 (VCV002735144.3), dbSNP rs2486885968, ClinGen allele CA10654945.
Genomic context (GRCh38, chr8:24,955,584, plus strand): 5'-TTCTCCAGCGCTTCATTCATGCCCCGGCATGCTTCGATTTCCAGGGTCTTGGCCTTGAGC[A>G]GACGACGGCTCTCGGACACCTCGTCCTTGGCGGCGCGCACGGCGTCGGTGTTCTTGGCGG-3'
Protein context (NP_006149.2, residues 301-321): AKDEVSESRR[Leu311Pro]LKAKTLEIEA

ClinVar aggregate classification (germline): Uncertain significance (1 of 4 stars; one submission).

Conditions:
Charcot-Marie-Tooth disease type 2E (CMT2E). Also called: CHARCOT-MARIE-TOOTH NEUROPATHY, TYPE 2E; CHARCOT-MARIE-TOOTH DISEASE, AXONAL, TYPE 2E. Identifiers: Orphanet 99939, MedGen C1843225, MONDO:0011894, OMIM 607684.

Submission:

Labcorp Genetics (formerly Invitae), Labcorp
Classification: Uncertain significance for Charcot-Marie-Tooth disease type 2E. Last evaluated: 2023-02-09. Review status: criteria provided, single submitter. Criteria: Invitae Variant Classification Sherloc (09022015). Collection method: clinical testing. Allele origin: germline.
Comment: In summary, the available evidence is currently insufficient to determine the role of this variant in disease. Therefore, it has been classified as a Variant of Uncertain Significance. Advanced modeling of protein sequence and biophysical properties (such as structural, functional, and spatial information, amino acid conservation, physicochemical variation, residue mobility, and thermodynamic stability) has been performed at Invitae for this missense variant, however the output from this modeling did not meet the statistical confidence thresholds required to predict the impact of this variant on NEFL protein function. This missense change has been observed in individual(s) with Charcot-Marie-Tooth disease (PMID: 28501821). This variant is not present in population databases (gnomAD no frequency). This sequence change replaces leucine, which is neutral and non-polar, with proline, which is neutral and non-polar, at codon 311 of the NEFL protein (p.Leu311Pro).

Literature cited by the submitters: PubMed 28501821.